The following is an entry in ClinVar:

NM_018052.5(VAC14):c.2244C>T (p.Tyr748=)

Gene: VAC14 (VAC14 component of PIKFYVE complex; minus strand). Cytogenetic location: 16q22.1.
Variant type: single nucleotide variant.
Coding change: c.2244C>T on transcript NM_018052.5 (MANE Select); coding-DNA position 2244, C replaced by T.
Protein change: p.Tyr748=; no amino-acid change (tyrosine 748 retained).
Molecular consequence: synonymous variant.
Genome position (GRCh38, 1-based): chr16:70,688,033, G>A on the plus strand (C>T on the coding strand, the complement: VAC14 is on the minus strand). VCF-style: chr16-70688033-G-A. GRCh37 (hg19) VCF-style: chr16-70721936-G-A.
Other names: c.1542C>T, p.Tyr514= (NM_001351157.2).
Identifiers: ClinVar variation 725469 (VCV000725469.39), dbSNP rs147699666, ClinGen allele CA8147346.

ClinVar aggregate classification (germline): Likely benign. Review status: criteria provided, multiple submitters, no conflicts (2 of 4 stars). 3 submissions from 3 submitters: Likely benign (2). 1 of the submissions does not count toward it. Last evaluated 2026-01-11.

Conditions:
VAC14-related disorder. Also called: VAC14-related condition.

Allele frequency attached by ClinVar (database versions not stated): TOPMed 0.00007; gnomAD 0.00009; ExAC 0.00010; gnomAD exomes 0.00014 and 0.00030; ESP Exome Variant Server 0.00015.
gnomAD v4.1: 427 of 1,605,192 alleles (0.027%); highest among the groups gnomAD compares: Non-Finnish European, 0.035%; no homozygotes.

Submissions (3):

Labcorp Genetics (formerly Invitae), Labcorp
Classification: Likely benign. Last evaluated: 2026-01-11. Review status: criteria provided, single submitter. Criteria: Invitae Variant Classification Sherloc (09022015). Collection method: clinical testing. Allele origin: germline.

CeGaT Center for Human Genetics Tuebingen
Classification: Likely benign. Last evaluated: 2022-09-01. Review status: criteria provided, single submitter. Criteria: CeGaT Center For Human Genetics Tuebingen Variant Classification Criteria Version 2. Collection method: clinical testing. Allele origin: germline. Affected: yes. Observed: 1 variant allele.
Comment: VAC14: BP4, BP7

PreventionGenetics, part of Exact Sciences
Classification: Likely benign for VAC14-related condition. Last evaluated: 2019-09-24. Review status: no assertion criteria provided. Collection method: clinical testing. Allele origin: germline. Not counted in ClinVar's aggregate classification.
Comment: This variant is classified as likely benign based on ACMG/AMP sequence variant interpretation guidelines (Richards et al. 2015 PMID: 25741868, with internal and published modifications).